The following is an entry in ClinVar:

NC_000012.12:g.(?_8857497)_(8861307_?)del

Gene: A2ML1 (alpha-2-macroglobulin like 1; plus strand). Cytogenetic location: 12p13.31.
Variant type: Deletion.
Identifiers: ClinVar variation 646393 (VCV000646393.2).

ClinVar aggregate classification (germline): Uncertain significance (1 of 4 stars; one submission).

Submission:

Labcorp Genetics (formerly Invitae), Labcorp
Classification: Uncertain significance. Last evaluated: 2019-10-15. Review status: criteria provided, single submitter. Criteria: Invitae Variant Classification Sherloc (09022015). Collection method: clinical testing. Allele origin: germline.
Comment: This variant is an in-frame deletion of the genomic region encompassing exons 25-28 of the A2ML1 gene. It preserves the integrity of the reading frame. This deletion has not been reported in the literature in individuals with an A2ML1-related disease. In summary, this variant has uncertain impact on A2ML1 function. The available evidence is currently insufficient to determine its role in disease. Therefore, it has been classified as a Variant of Uncertain Significance.